The following is an entry in ClinVar:

ClinVar aggregate classification (germline): Uncertain significance (1 of 4 stars; one submission).

Conditions:
Neurodevelopmental disorder with absent language and variable seizures. Also called: ITO-RAYMOND SYNDROME. Identifiers: MedGen C5231469, MONDO:0032876, OMIM 618707.

Submission:

3billion
Classification: Uncertain significance for Neurodevelopmental disorder with absent language and variable seizures. Last evaluated: 2023-10-24. Review status: criteria provided, single submitter. Criteria: ACMG Guidelines, 2015. Collection method: clinical testing. Allele origin: germline. Affected: yes.
Comment: The variant is not observed in the gnomAD v2.1.1 dataset. Predicted Consequence/Location: Inframe deletion located in a nonrepeat region: predicted to change the length of the protein and disrupt normal protein function. Therefore, this variant is classified as VUS according to the recommendation of ACMG/AMP guideline.

NM_003931.3(WASF1):c.523_534del (p.Glu175_Lys178del)

Gene: WASF1 (WASP family member 1; minus strand). Cytogenetic location: 6q21.
Variant type: Deletion.
Coding change: c.523_534del on transcript NM_003931.3 (MANE Select); coding-DNA positions 523 to 534, 12 bases deleted (GAAAAGAGGAAG).
Protein change: p.Glu175_Lys178del.
Molecular consequence: inframe deletion.
Genome position (GRCh38, 1-based): chr6:110,107,083-110,107,094, CTTCCTCTTTTC deleted on the plus strand (GAAAAGAGGAAG on the coding strand, the reverse complement: WASF1 is on the minus strand); deleting any 12 consecutive bases within chr6:110,107,083-110,107,103 gives the same sequence; the c. name uses the placement nearest the transcript's 3' end. VCF-style (leftmost placement, unchanged base first): chr6-110107082-GCTTCCTCTTTTC-G. GRCh37 (hg19) VCF-style: chr6-110428285-GCTTCCTCTTTTC-G.
Other names: c.523_534del, p.Glu175_Lys178del (NM_001024934.2, NM_001024935.2, NM_001024936.2).
Identifiers: ClinVar variation 3775648 (VCV003775648.1).
Genomic context (GRCh38, chr6:110,107,082, plus strand): 5'-CAACAAAACACAAATATACAAAAATTAACCTCAATTTTTTAATCTCTTGTAATACCTTCT[GCTTCCTCTTTTC>G]CTTCCTCTTATCCTCTGTATCTTGCAACATTTTTTCTTTCCATAGATCAAAGAAATACGA-3'